The following is an entry in ClinVar:

ClinVar aggregate classification (germline): Uncertain significance (1 of 4 stars; one submission).

Conditions:
Peroxisome biogenesis disorder 7A (Zellweger). Also called: Peroxisome biogenesis disorder 7A. Identifiers: Orphanet 912, MedGen C3888385, MONDO:0013938, OMIM 614872.
Peroxisome biogenesis disorder 7B (PBD7B). Identifiers: Orphanet 44, MedGen C3553951, MONDO:0013939, OMIM 614873.

Submission:

Labcorp Genetics (formerly Invitae), Labcorp
Classification: Uncertain significance for Peroxisome biogenesis disorder 7A (Zellweger); Peroxisome biogenesis disorder 7B. Last evaluated: 2023-02-04. Review status: criteria provided, single submitter. Criteria: Invitae Variant Classification Sherloc (09022015). Collection method: clinical testing. Allele origin: germline.
Comment: This sequence change replaces proline, which is neutral and non-polar, with threonine, which is neutral and polar, at codon 18 of the PEX26 protein (p.Pro18Thr). This variant is not present in population databases (gnomAD no frequency). This variant has not been reported in the literature in individuals affected with PEX26-related conditions. ClinVar contains an entry for this variant (Variation ID: 1348321). Algorithms developed to predict the effect of missense changes on protein structure and function are either unavailable or do not agree on the potential impact of this missense change (SIFT: "Tolerated"; PolyPhen-2: "Possibly Damaging"; Align-GVGD: "Class C0"). In summary, the available evidence is currently insufficient to determine the role of this variant in disease. Therefore, it has been classified as a Variant of Uncertain Significance.

NM_001127649.3(PEX26):c.52C>A (p.Pro18Thr)

Gene: PEX26 (peroxisomal biogenesis factor 26; plus strand). Cytogenetic location: 22q11.21.
Variant type: single nucleotide variant.
Coding change: c.52C>A on transcript NM_001127649.3 (MANE Select); coding-DNA position 52, C replaced by A.
Protein change: p.Pro18Thr; replaces proline 18 with threonine.
Molecular consequence: missense variant.
Genome position (GRCh38, 1-based): chr22:18,078,428, C>A. VCF-style: chr22-18078428-C-A. GRCh37 (hg19) VCF-style: chr22-18561194-C-A.
Other names: c.52C>A, p.Pro18Thr (NM_001199319.2, NM_017929.6); short protein forms P18T.
Identifiers: ClinVar variation 1348321 (VCV001348321.8), dbSNP rs924635830, ClinGen allele CA410264212.